The following is an entry in ClinVar:

NM_000092.5(COL4A4):c.4163G>A (p.Arg1388Lys)

Gene: COL4A4 (collagen type IV alpha 4 chain; minus strand). Cytogenetic location: 2q36.3.
Variant type: single nucleotide variant.
Coding change: c.4163G>A on transcript NM_000092.5 (MANE Select); coding-DNA position 4163, G replaced by A.
Protein change: p.Arg1388Lys; replaces arginine 1388 with lysine.
Molecular consequence: missense variant.
Genome position (GRCh38, 1-based): chr2:227,022,101, C>T on the plus strand (G>A on the coding strand, the complement: COL4A4 is on the minus strand). VCF-style: chr2-227022101-C-T. GRCh37 (hg19) VCF-style: chr2-227886817-C-T.
Other names: short protein forms R1388K.
Identifiers: ClinVar variation 2163504 (VCV002163504.5), dbSNP rs1378236626, ClinGen allele CA350836735.

ClinVar aggregate classification (germline): Uncertain significance. Review status: criteria provided, multiple submitters, no conflicts (2 of 4 stars). 2 submissions from 2 submitters: Uncertain significance (2). Last evaluated 2024-01-18.

Allele frequency attached by ClinVar (database versions not stated): gnomAD exomes below 0.00001; gnomAD 0.00001; TOPMed 0.00001.
gnomAD v4.1: 2 of 1,614,068 alleles (0.00012%); highest among the groups gnomAD compares: Admixed American, 0.0017%; no homozygotes.

Submissions (2):

GeneDx
Classification: Uncertain significance. Last evaluated: 2024-01-18. Review status: criteria provided, single submitter. Criteria: GeneDx Variant Classification Process June 2021. Collection method: clinical testing. Allele origin: germline. Affected: yes.
Comment: Not observed at significant frequency in large population cohorts (gnomAD); Occurs in the triple helical domain at the Y position in the canonical Gly-X-Y repeat; although this variant may have an effect on normal protein folding and function, missense substitution at the Y position is not a common mechanism of disease; In silico analysis supports that this missense variant does not alter protein structure/function; Has not been previously published as pathogenic or benign to our knowledge

Labcorp Genetics (formerly Invitae), Labcorp
Classification: Uncertain significance. Last evaluated: 2022-03-17. Review status: criteria provided, single submitter. Criteria: Invitae Variant Classification Sherloc (09022015). Collection method: clinical testing. Allele origin: germline.
Comment: This variant is not present in population databases (gnomAD no frequency). This sequence change replaces arginine, which is basic and polar, with lysine, which is basic and polar, at codon 1388 of the COL4A4 protein (p.Arg1388Lys). This variant has not been reported in the literature in individuals affected with COL4A4-related conditions. In summary, the available evidence is currently insufficient to determine the role of this variant in disease. Therefore, it has been classified as a Variant of Uncertain Significance. Advanced modeling of protein sequence and biophysical properties (such as structural, functional, and spatial information, amino acid conservation, physicochemical variation, residue mobility, and thermodynamic stability) performed at Invitae indicates that this missense variant is not expected to disrupt COL4A4 protein function.